The following is an entry in ClinVar:

NM_001365951.3(KIF1B):c.4662T>C (p.Phe1554=)

Gene: KIF1B (kinesin family member 1B; plus strand). Cytogenetic location: 1p36.22.
Variant type: single nucleotide variant.
Coding change: c.4662T>C on transcript NM_001365951.3 (MANE Select); coding-DNA position 4662, T replaced by C.
Protein change: p.Phe1554=; no amino-acid change (phenylalanine 1554 retained).
Molecular consequence: synonymous variant.
Genome position (GRCh38, 1-based): chr1:10,365,558, T>C. VCF-style: chr1-10365558-T-C. GRCh37 (hg19) VCF-style: chr1-10425616-T-C.
Other names: c.4662T>C, p.Phe1554= (NM_001365952.1); c.4524T>C, p.Phe1508= (NM_015074.3).
Identifiers: ClinVar variation 1741233 (VCV001741233.4), dbSNP rs760080117, ClinGen allele CA582143.

ClinVar aggregate classification (germline): Likely benign. Review status: criteria provided, single submitter (1 of 4 stars). 2 submissions from 2 submitters: Likely benign (1). 1 of the submissions does not count toward it. Last evaluated 2020-12-23.

Conditions:
KIF1B-related disorder. Also called: KIF1B-related condition.

Allele frequency attached by ClinVar (database versions not stated): TOPMed below 0.00001; gnomAD 0.00001; gnomAD exomes 0.00001; ExAC 0.00002.
gnomAD v4.1: 14 of 1,613,990 alleles (0.00087%); highest among the groups gnomAD compares: African/African-American, 0.0013%; no homozygotes.

Submissions (2):

Ambry Genetics
Classification: Likely benign. Last evaluated: 2020-12-23. Review status: criteria provided, single submitter. Criteria: Ambry Variant Classification Scheme 2023. Collection method: clinical testing. Allele origin: germline.

PreventionGenetics, part of Exact Sciences
Classification: Likely benign for KIF1B-related condition. Last evaluated: 2024-03-04. Review status: no assertion criteria provided. Collection method: clinical testing. Allele origin: germline. Not counted in ClinVar's aggregate classification.
Comment: This variant is classified as likely benign based on ACMG/AMP sequence variant interpretation guidelines (Richards et al. 2015 PMID: 25741868, with internal and published modifications).